The following is an entry in ClinVar:

NM_016653.3(MAP3K20):c.549_550del (p.Ser184fs)

Gene: MAP3K20 (mitogen-activated protein kinase kinase kinase 20; plus strand). Cytogenetic location: 2q31.1.
Variant type: Microsatellite.
Coding change: c.549_550del on transcript NM_016653.3 (MANE Select); coding-DNA positions 549 to 550, 2 bases deleted (GT; older notation c.549_550delGT).
Protein change: p.Ser184fs; shifts the reading frame from serine 184.
Molecular consequence: frameshift variant.
Genome position (GRCh38, 1-based): chr2:173,191,144-173,191,145, GT deleted; deleting any 2 consecutive bases within chr2:173,191,141-173,191,145 gives the same sequence; the c. name uses the placement nearest the transcript's 3' end. VCF-style (leftmost placement, unchanged base first): chr2-173191140-CTG-C. GRCh37 (hg19) VCF-style: chr2-174055868-CTG-C.
Other names: c.549_550del, p.Ser184fs (NM_133646.3); short protein forms S184fs.
Identifiers: ClinVar variation 2695259 (VCV002695259.3), dbSNP rs2468151030, ClinGen allele CA2697551380.

ClinVar aggregate classification (germline): Pathogenic (1 of 4 stars; one submission).

Submission:

Labcorp Genetics (formerly Invitae), Labcorp
Classification: Pathogenic. Last evaluated: 2023-11-12. Review status: criteria provided, single submitter. Criteria: Invitae Variant Classification Sherloc (09022015). Collection method: clinical testing. Allele origin: germline.
Comment: This sequence change creates a premature translational stop signal (p.Ser184Argfs*4) in the MAP3K20 gene. It is expected to result in an absent or disrupted protein product. Loss-of-function variants in MAP3K20 are known to be pathogenic (PMID: 27816943). This variant is not present in population databases (gnomAD no frequency). This variant has not been reported in the literature in individuals affected with MAP3K20-related conditions. For these reasons, this variant has been classified as Pathogenic.

Literature cited by the submitters: PubMed 27816943.